The following is an entry in ClinVar:

NM_014334.4(FRRS1L):c.97G>T (p.Asp33Tyr)

Gene: FRRS1L (ferric chelate reductase 1 like; minus strand). Cytogenetic location: 9q31.3.
Variant type: single nucleotide variant.
Coding change: c.97G>T on transcript NM_014334.4 (MANE Select); coding-DNA position 97, G replaced by T.
Protein change: p.Asp33Tyr; replaces aspartic acid 33 with tyrosine.
Molecular consequence: missense variant.
Genome position (GRCh38, 1-based): chr9:109,167,042, C>A on the plus strand (G>T on the coding strand, the complement: FRRS1L is on the minus strand). VCF-style: chr9-109167042-C-A. GRCh37 (hg19) VCF-style: chr9-111929322-C-A.
Other names: short protein forms D33Y.
Identifiers: ClinVar variation 1358485 (VCV001358485.8), dbSNP rs1831563459, ClinGen allele CA374430505.

ClinVar aggregate classification (germline): Uncertain significance (1 of 4 stars; one submission).

Conditions:
Developmental and epileptic encephalopathy, 37 (DEE37). Also called: Epileptic encephalopathy, early infantile, 37. Identifiers: MedGen C4310770, MONDO:0014859, OMIM 616981.

Submission:

Labcorp Genetics (formerly Invitae), Labcorp
Classification: Uncertain significance for Developmental and epileptic encephalopathy, 37. Last evaluated: 2022-11-01. Review status: criteria provided, single submitter. Criteria: Invitae Variant Classification Sherloc (09022015). Collection method: clinical testing. Allele origin: germline.
Comment: In summary, the available evidence is currently insufficient to determine the role of this variant in disease. Therefore, it has been classified as a Variant of Uncertain Significance. This sequence change replaces aspartic acid, which is acidic and polar, with tyrosine, which is neutral and polar, at codon 84 of the FRRS1L protein (p.Asp84Tyr). The frequency data for this variant in the population databases is considered unreliable, as metrics indicate insufficient coverage at this position in the gnomAD database. This variant has not been reported in the literature in individuals affected with FRRS1L-related conditions. ClinVar contains an entry for this variant (Variation ID: 1358485). Algorithms developed to predict the effect of missense changes on protein structure and function are either unavailable or do not agree on the potential impact of this missense change (SIFT: "Tolerated"; PolyPhen-2: "Probably Damaging"; Align-GVGD: "Class C0").